The following is an entry in ClinVar:

NM_032043.3(BRIP1):c.36G>C (p.Gly12=)

Gene: BRIP1 (BRCA1 interacting DNA helicase 1; minus strand). Cytogenetic location: 17q23.2.
Variant type: single nucleotide variant.
Coding change: c.36G>C on transcript NM_032043.3 (MANE Select); coding-DNA position 36, G replaced by C.
Protein change: p.Gly12=; no amino-acid change (glycine 12 retained).
Molecular consequence: synonymous variant.
Genome position (GRCh38, 1-based): chr17:61,861,504, C>G on the plus strand (G>C on the coding strand, the complement: BRIP1 is on the minus strand). VCF-style: chr17-61861504-C-G. GRCh37 (hg19) VCF-style: chr17-59938865-C-G.
Identifiers: ClinVar variation 184806 (VCV000184806.20), dbSNP rs45566938, ClinGen allele CA190102.

ClinVar aggregate classification (germline): Benign/Likely benign. Review status: criteria provided, multiple submitters, no conflicts (2 of 4 stars). 5 submissions from 5 submitters: Benign (1); Likely benign (4). Last evaluated 2025-04-08.

Conditions:
Hereditary cancer-predisposing syndrome. Also called: Tumor predisposition; Hereditary Cancer Syndrome; Hereditary neoplastic syndrome; Neoplastic Syndromes, Hereditary. Identifiers: Orphanet 140162, MedGen C0027672, MeSH D009386, MONDO:0015356.
Familial cancer of breast. Also called: BREAST CANCER, FAMILIAL; hereditary breast carcinoma; Hereditary breast cancer. Identifiers: Orphanet 227535, MedGen C0346153, MONDO:0016419, OMIM 114480. Disease mechanism: loss of function.
Fanconi anemia complementation group J. Also called: BRIP1-Related Fanconi Anemia. Identifiers: Orphanet 84, MedGen C1836860, MONDO:0012187, OMIM 609054.

Allele frequency attached by ClinVar (database versions not stated): TOPMed 0.00002.
gnomAD v4.1: 14 of 1,613,150 alleles (0.00087%); highest among the groups gnomAD compares: Non-Finnish European, 0.0011%; no homozygotes.

Submissions (5):

Labcorp Genetics (formerly Invitae), Labcorp
Classification: Likely benign for Familial cancer of breast; Fanconi anemia complementation group J. Last evaluated: 2025-04-08. Review status: criteria provided, single submitter. Criteria: Invitae Variant Classification Sherloc (09022015). Collection method: clinical testing. Allele origin: germline.

Myriad Genetics, Inc.
Classification: Benign for Familial cancer of breast. Last evaluated: 2024-08-08. Review status: criteria provided, single submitter. Criteria: Myriad Autosomal Dominant, Autosomal Recessive and X-Linked Classification Criteria (2023). Collection method: clinical testing. Allele origin: unknown.
Comment: This variant is considered benign. This variant is a silent/synonymous amino acid change and it is not expected to impact splicing.

Color Diagnostics, LLC DBA Color Health
Classification: Likely benign for Hereditary cancer-predisposing syndrome. Last evaluated: 2019-02-22. Review status: criteria provided, single submitter. Criteria: ACMG Guidelines, 2015. Collection method: clinical testing. Allele origin: germline.

GeneDx
Classification: Likely benign. Last evaluated: 2016-05-06. Review status: criteria provided, single submitter. Criteria: GeneDx Variant Classification (06012015). Collection method: clinical testing. Allele origin: germline. Affected: yes.
Comment: This variant is considered likely benign or benign based on one or more of the following criteria: it is a conservative change, it occurs at a poorly conserved position in the protein, it is predicted to be benign by multiple in silico algorithms, and/or has population frequency not consistent with disease.

Ambry Genetics
Classification: Likely benign for Hereditary cancer-predisposing syndrome. Last evaluated: 2014-10-08. Review status: criteria provided, single submitter. Criteria: Ambry Variant Classification Scheme 2023. Collection method: clinical testing. Allele origin: germline.